The following is an entry in ClinVar:

NM_000018.4(ACADVL):c.823G>A (p.Val275Met)

Gene: ACADVL (acyl-CoA dehydrogenase very long chain; plus strand). Cytogenetic location: 17p13.1.
Variant type: single nucleotide variant.
Coding change: c.823G>A on transcript NM_000018.4 (MANE Select); coding-DNA position 823, G replaced by A.
Protein change: p.Val275Met; replaces valine 275 with methionine.
Molecular consequence: missense variant.
Genome position (GRCh38, 1-based): chr17:7,222,247, G>A. VCF-style: chr17-7222247-G-A. GRCh37 (hg19) VCF-style: chr17-7125566-G-A.
Other names: c.823G>A (NM_000018.2); c.757G>A, p.Val253Met (NM_001033859.3); c.892G>A, p.Val298Met (NM_001270447.2); c.595G>A, p.Val199Met (NM_001270448.2); short protein forms V275M, V253M, V199M, V298M.
Identifiers: ClinVar variation 1450588 (VCV001450588.7), dbSNP rs761199646, ClinGen allele CA8337860.

ClinVar aggregate classification (germline): Uncertain significance. Review status: criteria provided, multiple submitters, no conflicts (2 of 4 stars). 3 submissions from 3 submitters: Uncertain significance (3). Last evaluated 2025-08-20.

Conditions:
Inborn genetic diseases. Identifiers: MedGen C0950123, MeSH D030342.
Very long chain acyl-CoA dehydrogenase deficiency (ACADVLD). Also called: Very Long-Chain Acyl-Coenzyme A Dehydrogenase Deficiency; VLCAD Deficiency. Identifiers: Orphanet 26793, MedGen C3887523, MONDO:0008723, OMIM 201475.

Allele frequency attached by ClinVar (database versions not stated): TOPMed below 0.00001; gnomAD 0.00001; gnomAD exomes 0.00001 and 0.00002; ExAC 0.00002.
gnomAD v4.1: 20 of 1,614,008 alleles (0.0012%); highest among the groups gnomAD compares: Middle Eastern, 0.016%; no homozygotes.

Submissions (3):

Ambry Genetics
Classification: Uncertain significance for Inborn genetic diseases. Last evaluated: 2025-08-20. Review status: criteria provided, single submitter. Criteria: Ambry Variant Classification Scheme 2023. Collection method: clinical testing. Allele origin: germline.

Labcorp Genetics (formerly Invitae), Labcorp
Classification: Uncertain significance for Very long chain acyl-CoA dehydrogenase deficiency. Last evaluated: 2022-05-22. Review status: criteria provided, single submitter. Criteria: Invitae Variant Classification Sherloc (09022015). Collection method: clinical testing. Allele origin: germline.
Comment: This sequence change replaces valine, which is neutral and non-polar, with methionine, which is neutral and non-polar, at codon 275 of the ACADVL protein (p.Val275Met). This variant is present in population databases (rs761199646, gnomAD 0.01%). This variant has not been reported in the literature in individuals affected with ACADVL-related conditions. Algorithms developed to predict the effect of missense changes on protein structure and function output the following: SIFT: "Tolerated"; PolyPhen-2: "Benign"; Align-GVGD: "Class C0". The methionine amino acid residue is found in multiple mammalian species, which suggests that this missense change does not adversely affect protein function. In summary, the available evidence is currently insufficient to determine the role of this variant in disease. Therefore, it has been classified as a Variant of Uncertain Significance.

Breakthrough Genomics
Classification: Uncertain significance. Review status: criteria provided, single submitter. Criteria: ACMG Guidelines, 2015. Collection method: not provided. Allele origin: germline. Inheritance: Autosomal recessive inheritance. Affected: yes.